The following is an entry in ClinVar:

ClinVar aggregate classification (germline): Uncertain significance. Review status: criteria provided, multiple submitters, no conflicts (2 of 4 stars). 3 submissions from 3 submitters: Uncertain significance (3). Last evaluated 2026-03-25.

Conditions:
Long QT syndrome (LQTS). Identifiers: MedGen C0023976, MeSH D008133, MONDO:0002442. Disease mechanism: loss of function. Inheritance: Various modes of inheritance.
Cardiovascular phenotype. Identifiers: MedGen CN230736.

gnomAD v4.1: 68 of 1,614,064 alleles (0.0042%); highest among the groups gnomAD compares: Non-Finnish European, 0.0053%; no homozygotes.

Submissions (3):

GeneDx
Classification: Uncertain significance. Last evaluated: 2026-03-25. Review status: criteria provided, single submitter. Criteria: GeneDx Variant Classification Process June 2021. Collection method: clinical testing. Allele origin: germline.
Comment: Not observed at significant frequency in large population cohorts (gnomAD); In silico analysis supports that this missense variant has a deleterious effect on protein structure/function; Has not been previously published as pathogenic or benign to our knowledge

Labcorp Genetics (formerly Invitae), Labcorp
Classification: Uncertain significance for Long QT syndrome. Last evaluated: 2026-01-18. Review status: criteria provided, single submitter. Criteria: Invitae Variant Classification Sherloc (09022015). Collection method: clinical testing. Allele origin: germline.
Comment: This sequence change replaces glutamic acid, which is acidic and polar, with lysine, which is basic and polar, at codon 451 of the SNTA1 protein (p.Glu451Lys). This variant is present in population databases (rs148604302, gnomAD 0.008%). This variant has not been reported in the literature in individuals affected with SNTA1-related conditions. ClinVar contains an entry for this variant (Variation ID: 3637020). Invitae Evidence Modeling of protein sequence and biophysical properties (such as structural, functional, and spatial information, amino acid conservation, physicochemical variation, residue mobility, and thermodynamic stability) indicates that this missense variant is expected to disrupt SNTA1 protein function with a positive predictive value of 80%. In summary, the available evidence is currently insufficient to determine the role of this variant in disease. Therefore, it has been classified as a Variant of Uncertain Significance.

Ambry Genetics
Classification: Uncertain significance for Cardiovascular phenotype. Last evaluated: 2025-03-18. Review status: criteria provided, single submitter. Criteria: Ambry Variant Classification Scheme 2023. Collection method: clinical testing. Allele origin: germline.
Comment: The p.E451K variant (also known as c.1351G>A), located in coding exon 7 of the SNTA1 gene, results from a G to A substitution at nucleotide position 1351. The glutamic acid at codon 451 is replaced by lysine, an amino acid with similar properties. This amino acid position is highly conserved in available vertebrate species. In addition, the in silico prediction for this alteration is inconclusive. The evidence for this gene-disease relationship is limited; therefore, the clinical significance of this alteration is unclear.

NM_003098.3(SNTA1):c.1351G>A (p.Glu451Lys)

Gene: SNTA1 (syntrophin alpha 1; minus strand). Cytogenetic location: 20q11.21.
Variant type: single nucleotide variant.
Coding change: c.1351G>A on transcript NM_003098.3 (MANE Select); coding-DNA position 1351, G replaced by A.
Protein change: p.Glu451Lys; replaces glutamic acid 451 with lysine.
Molecular consequence: missense variant. On other transcripts: synonymous variant (1).
Genome position (GRCh38, 1-based): chr20:33,408,775, C>T on the plus strand (G>A on the coding strand, the complement: SNTA1 is on the minus strand). VCF-style: chr20-33408775-C-T. GRCh37 (hg19) VCF-style: chr20-31996581-C-T.
Other names: c.1351G>A, p.Glu451Lys (NM_001424413.1); c.1383G>A, p.Ser461= (NM_001424414.1); short protein forms E451K.
Identifiers: ClinVar variation 3637020 (VCV003637020.4).
Genomic context (GRCh38, chr20:33,408,775, plus strand): 5'-CACCTCCAAAATCCAGGAAAAGGAGACTGGCACCGTCATCTGAAGACATCTGCAGCTTCT[C>T]GAAGGGCTGTCGCAGGAGCACAGCTCGGGCTGCACCTGGCTCAGCCGCCCACAGTGTGAA-3'
Protein context (NP_003089.1, residues 441-461): ARAVLLRQPF[Glu451Lys]KLQMSSDDGA